The following continues an entry in ClinVar:

NM_000518.5(HBB):c.92+6T>C

ClinVar aggregate classification (germline): Pathogenic/Likely pathogenic. Pathogenic (28); Likely pathogenic (2).

Submissions 9 to 23 of 34:

Revvity Omics, Revvity
Classification: Pathogenic. Last evaluated: 2025-07-29. Review status: criteria provided, single submitter. Criteria: ACMG Guidelines, 2015. Collection method: clinical testing. Allele origin: germline.

ARUP Laboratories, Molecular Genetics and Genomics, ARUP Laboratories
Classification: Pathogenic. Last evaluated: 2025-07-21. Review status: criteria provided, single submitter. Criteria: ARUP Molecular Germline Variant Investigation Process 2024. Collection method: clinical testing. Allele origin: germline.
Comment: The HBB c.92+6T>C variant (rs35724775, ClinVar ID: 15450, HbVar ID: 826), also known as IVS-I-6 T>C, is reported in the literature in multiple individuals affected with beta(+) thalassemia (Carrocini 2017, Hussain 2017, Jalilian 2017). This variant is one of the most common beta-thalassemia alleles in Mediterranean and Middle-Eastern countries (El-Latif 2002, HbVar database and references therein). This variant disrupts the canonical splice donor site of intron 1, and functional assays show aberrant splicing of the first and second exons of HBB, leading to production of non-functional beta globin mRNA and reduction of wildtype transcripts (Breveglieri 2015). Based on available information, this variant is considered to be pathogenic. References: Link to HbVar database: Breveglieri G et al. Generation and Characterization of a Transgenic Mouse Carrying a Functional Human beta-Globin Gene with the IVSI-6 Thalassemia Mutation. Biomed Res Int. 2015:687635. PMID: 26097845. Carrocini GCS et al. Mutational Profile of Homozygous beta-Thalassemia in Rio de Janeiro, Brazil. Hemoglobin. 2017 Jan;41(1):12-15. PMID: 28366028. El-Latif MA et al. The beta+-IVS-I-6 (T-->C) mutation accounts for half of the thalassemia chromosomes in the Palestinian populations of the mountain regions. Hemoglobin. 2002 Feb;26(1):33-40. PMID: 11939510. Hussain A et al. Rare beta-Globin Gene Mutations in Pakistan. Hemoglobin. 2017 Mar;41(2):100-103. PMID: 28670940. Jalilian M et al. The Frequency of HBB Mutations Among beta-Thalassemia Patients in Hamadan Province, Iran. Hemoglobin. 2017 Jan;41(1):61-64. PMID: 28391758.

Variantyx, Inc.
Classification: Pathogenic for Beta-thalassemia HBB/LCRB. Last evaluated: 2025-03-12. Review status: criteria provided, single submitter. Criteria: Variantyx Assertion Criteria 2022. Collection method: clinical testing. Allele origin: paternal.
Comment: Pathogenic variants in this gene have been associated with autosomal recessive beta-thalassemia. This splicing variant is expected to result in loss of function, which is a known disease mechanism for HBB in this disorder (PMID: 26097845) (PVS1). This variant has been reported in the homozygous or compound heterozygous state in many unrelated affected individuals (PMID: 9163586, 28366028, 11939510, 7668219, 17365006) (PM3_Very_Strong). This variant has a 0.0075% maximum allele frequency in non-founder control populations, which is lower than expected for the prevalence of autosomal recessive HBB-related disorders (PM2_Supporting). Based on the current evidence, this variant is classified as pathogenic for autosomal recessive beta-thalassemia.

Women's Health and Genetics/Laboratory Corporation of America, LabCorp
Classification: Pathogenic for Beta thalassemia intermedia. Last evaluated: 2025-03-05. Review status: criteria provided, single submitter. Criteria: LabCorp Variant Classification Summary - May 2015. Collection method: clinical testing. Allele origin: germline.
Comment: Variant summary: HBB c.92+6T>C alters a nucleotide located close to a canonical splice site and therefore could affect mRNA splicing, leading to a significantly altered protein sequence. Several computational tools predict a significant impact on normal splicing: One predict the variant abolishes a 5' splicing donor site. Two predict the variant weakens a 5' donor site. At least one publication reports experimental evidence that this variant affects mRNA splicing (Treisman_1983). The variant allele was found at a frequency of 0.00012 in 251332 control chromosomes. This frequency is not significantly higher than estimated for a pathogenic variant in HBB causing Beta Thalassemia Intermedia (0.00012 vs 0.011), allowing no conclusion about variant significance. c.92+6T>C has been reported in the literature in multiple individuals affected with Beta Thalassemia Intermedia, includign one homozygote (Diaz-Chico_1988, Aldemir_2014). These data indicate that the variant is very likely to be associated with disease. The following publications have been ascertained in the context of this evaluation (PMID: 2446680, 6188062, 25155404). ClinVar contains an entry for this variant (Variation ID: 15450). Based on the evidence outlined above, the variant was classified as pathogenic.

Center for Genomic Medicine, Rigshospitalet, Copenhagen University Hospital
Classification: Pathogenic. Last evaluated: 2025-03-04. Review status: criteria provided, single submitter. Criteria: ACMG Guidelines, 2015. Collection method: clinical testing. Allele origin: germline.

Blueprint Genetics
Classification: Pathogenic for HBB-related disorders. Last evaluated: 2024-11-07. Review status: criteria provided, single submitter. Criteria: ACMG Guidelines, 2015. Collection method: clinical testing. Allele origin: germline. Affected: yes. Observed: 5 variant alleles.

GeneDx
Classification: Pathogenic. Last evaluated: 2024-09-23. Review status: criteria provided, single submitter. Criteria: GeneDx Variant Classification Process June 2021. Collection method: clinical testing. Allele origin: germline. Affected: yes.
Comment: Published functional studies demonstrate that this variant results in aberrantly spliced mRNAs (PMID: 26097845); In silico analysis supports a deleterious effect on splicing; This variant is associated with the following publications: (PMID: 21228398, 23348723, 25525159, 22975760, 6280057, 25856402, 27959697, 25825561, 26372288, 28391758, 28670940, 28366028, 34426522, 31589614, 9163586, 31286593, 2577233, 28060121, 28399358, 33947296, 34794358, 9629495, 34272389, 20301599, 38468841, 39062234, 38112059, 38397898, Kacmaz2024, 26097845)

Genomic Medicine Center of Excellence, King Faisal Specialist Hospital and Research Centre
Classification: Likely pathogenic for Malaria, susceptibility to. Last evaluated: 2024-03-25. Review status: criteria provided, single submitter. Criteria: ACMG Guidelines, 2015. Collection method: research. Allele origin: germline.

Fulgent Genetics
Classification: Pathogenic for Heinz body anemia; Hereditary persistence of fetal hemoglobin; Dominant beta-thalassemia; Hb SS disease; Malaria, susceptibility to; Beta-thalassemia HBB/LCRB; METHEMOGLOBINEMIA, BETA TYPE; Erythrocytosis, familial, 6. Last evaluated: 2024-02-27. Review status: criteria provided, single submitter. Criteria: ACMG Guidelines, 2015. Collection method: clinical testing. Allele origin: germline.

Laboratory of Medical Genetics, National & Kapodistrian University of Athens
Classification: Pathogenic for Beta-thalassemia HBB/LCRB. Last evaluated: 2024-02-01. Review status: criteria provided, single submitter. Criteria: ACMG Guidelines, 2015. Collection method: curation. Allele origin: germline. Affected: no.

Neuberg Centre For Genomic Medicine, NCGM
Classification: Pathogenic for Beta-thalassemia HBB/LCRB. Last evaluated: 2023-06-22. Review status: criteria provided, single submitter. Criteria: ACMG Guidelines, 2015. Collection method: clinical testing. Allele origin: germline. Inheritance: Autosomal recessive inheritance. Affected: yes.
Comment: The splice region c.92+6T>C variant in HBB gene has been observed in multiple individuals with beta thalassemia Hussain et. al., 2017; Jalilian et. al., 2017. It has also been observed to segregate with disease in related individuals. This variant is also known as IVS-1-VI and IVS-I-6 T>C. Studies have shown that this variant results in alternative splicing and introduces a premature termination codon Breveglieri et. al., 2015. The resulting mRNA is expected to undergo nonsense-mediated decay. The observed variant has allele frequency of 0.01% in gnomAD exomes database. This variant has been submitted to the ClinVar database as Uncertain Significance / Likely Pathogenic / Pathogenic multiple submissions. SpliceAI predicts 0.4300 score for this variant. Variants that disrupt the consensus splice site are a relatively common cause of aberrant splicing Buratti et. al., 2007. For these reasons, this variant has been classified as Pathogenic.

Laboratory for Molecular Medicine, Mass General Brigham Personalized Medicine
Classification: Pathogenic for beta Thalassemia. Last evaluated: 2023-02-02. Review status: criteria provided, single submitter. Criteria: ACMG Guidelines, 2015. Collection method: clinical testing. Allele origin: germline.
Comment: The c.92+6T>C variant (formerly known as IVS-I-6) in HBB has been reported in the homozygous state in at least 38 individuals with beta thalassemia and in the compound heterozygous state with another pathogenic HBB variant in at least 36 individuals with beta thalassemia (Jalilian 2017 PMID: 28391758, Fernandes 2011 PMID: 21797703, El-Latif 2002 PMID: 11939510, Danjou 2015 PMID: 25480500, Chen 2015 PMID: 25856402, Carrocini 2017 PMID: 28366028). It has also been identified in 0.95% (3/316) of Middle Eastern chromosomes by gnomAD. However, this frequency is still compatible with a recessive allele frequency for a common condition. This variant has also been reported in ClinVar (Variation ID 15450). This variant disrupts the canonical splice donor site of intron 1. Functional assays show that this variant results in aberrant splicing of the first and second exons of HBB, leading to production of non-functional mRNA and reduction of wildtype transcripts (Breveglieri 2015 PMID: 26097845). Loss of function of the HBB gene is an established disease mechanism in autosomal recessive beta thalassemia. In summary, this variant meets criteria to be classified as pathogenic for autosomal recessive beta thalassemia. ACMG/AMP Criteria applied: PVS1_Strong, PS3, PM3_VeryStrong.

Department of Pathology and Laboratory Medicine, Sinai Health System
Classification: Likely pathogenic for erythrocytosis, familial, 6. Last evaluated: 2022-11-09. Review status: criteria provided, single submitter. Criteria: ACMG Guidelines, 2015. Collection method: research. Allele origin: germline.

Mendelics
Classification: Pathogenic for Heinz body anemia. Last evaluated: 2022-05-04. Review status: criteria provided, single submitter. Criteria: Mendelics Assertion Criteria 2019. Collection method: clinical testing. Allele origin: germline.

Genetics and Molecular Pathology, SA Pathology
Classification: Pathogenic for beta Thalassemia. Last evaluated: 2020-02-21. Review status: criteria provided, single submitter. Criteria: ACMG Guidelines, 2015. Collection method: clinical testing. Allele origin: germline. Affected: yes.
Comment: PS3, PS4, PM3, PP3, PP4, PP5